The following is an entry in ClinVar:

NM_003114.5(SPAG1):c.2560A>T (p.Ile854Phe)

Gene: SPAG1 (sperm associated antigen 1; plus strand). Cytogenetic location: 8q22.2.
Variant type: single nucleotide variant.
Coding change: c.2560A>T on transcript NM_003114.5 (MANE Select); coding-DNA position 2560, A replaced by T.
Protein change: p.Ile854Phe; replaces isoleucine 854 with phenylalanine.
Molecular consequence: missense variant.
Genome position (GRCh38, 1-based): chr8:100,240,682, A>T. VCF-style: chr8-100240682-A-T. GRCh37 (hg19) VCF-style: chr8-101252910-A-T.
Other names: c.2560A>T, p.Ile854Phe (NM_001374321.1, NM_172218.3); short protein forms I854F.
Identifiers: ClinVar variation 1793109 (VCV001793109.2), dbSNP rs779684298, ClinGen allele CA4827772.
Genomic context (GRCh38, chr8:100,240,682, plus strand): 5'-CCAAAAGATTTGCCGATGTTTTTAAGTAACAAACTTGAAGGGGATACATTCCTTCTCCTC[A>T]TTCAGTCTCTGAAAAATAATCTTATTGAAAAAGATCCCTCATTGGTGTATCAGCATCTTT-3'
Protein context (NP_003105.2, residues 844-864): KLEGDTFLLL[Ile854Phe]QSLKNNLIEK

ClinVar aggregate classification (germline): Uncertain significance (1 of 4 stars; one submission).

Conditions:
Primary ciliary dyskinesia. Also called: Ciliary dyskinesia. Identifiers: Orphanet 244, MedGen C0008780, MONDO:0016575, HP:0012265.

Allele frequency attached by ClinVar (database versions not stated): gnomAD exomes 0.00001; ExAC 0.00002.
gnomAD v4.1: 14 of 1,614,004 alleles (0.00087%); highest among the groups gnomAD compares: South Asian, 0.015%; no homozygotes.

Submission:

Ambry Genetics
Classification: Uncertain significance for Primary ciliary dyskinesia. Last evaluated: 2022-10-09. Review status: criteria provided, single submitter. Criteria: Ambry Variant Classification Scheme 2023. Collection method: clinical testing. Allele origin: germline.
Comment: The p.I854F variant (also known as c.2560A>T), located in coding exon 17 of the SPAG1 gene, results from an A to T substitution at nucleotide position 2560. The isoleucine at codon 854 is replaced by phenylalanine, an amino acid with highly similar properties. This amino acid position is conserved. In addition, this alteration is predicted to be tolerated by in silico analysis. Since supporting evidence is limited at this time, the clinical significance of this alteration remains unclear.